The following is an entry in ClinVar:

ClinVar aggregate classification (germline): Uncertain significance. Review status: criteria provided, multiple submitters, no conflicts (2 of 4 stars). 5 submissions from 5 submitters: Uncertain significance (4). 1 of the submissions does not count toward it. Last evaluated 2024-11-03.

Conditions:
Inborn genetic diseases. Identifiers: MedGen C0950123, MeSH D030342.
Neuronal ceroid lipofuscinosis 1 (CLN1). Also called: PPT1-Related Neuronal Ceroid-Lipofuscinosis; CEROID LIPOFUSCINOSIS, NEURONAL, 1, VARIABLE AGE AT ONSET. Identifiers: Orphanet 228329, MedGen C1850451, MONDO:0009744, OMIM 256730.

Allele frequency attached by ClinVar (database versions not stated): gnomAD 0.00001 and 0.00002; gnomAD exomes 0.00003 and 0.00004; TOPMed 0.00003; ExAC 0.00005; ESP Exome Variant Server 0.00008.
gnomAD v4.1: 55 of 1,612,440 alleles (0.0034%); highest among the groups gnomAD compares: Non-Finnish European, 0.0046%; no homozygotes.

Submissions (5):

GeneDx
Classification: Uncertain significance. Last evaluated: 2024-11-03. Review status: criteria provided, single submitter. Criteria: GeneDx Variant Classification Process June 2021. Collection method: clinical testing. Allele origin: germline. Affected: yes.
Comment: Not observed at significant frequency in large population cohorts (gnomAD); In silico analysis supports a deleterious effect on splicing; In silico analysis indicates that this missense variant does not alter protein structure/function; Has not been previously published as pathogenic or benign to our knowledge

Ambry Genetics
Classification: Uncertain significance for Inborn genetic diseases. Last evaluated: 2024-10-25. Review status: criteria provided, single submitter. Criteria: Ambry Variant Classification Scheme 2023. Collection method: clinical testing. Allele origin: germline.
Comment: Occurs in the last base pair of the exon Based on insufficient or conflicting evidence, the clinical significance of this alteration remains unclear.

Labcorp Genetics (formerly Invitae), Labcorp
Classification: Uncertain significance for Neuronal ceroid lipofuscinosis 1. Last evaluated: 2024-10-22. Review status: criteria provided, single submitter. Criteria: Invitae Variant Classification Sherloc (09022015). Collection method: clinical testing. Allele origin: germline.
Comment: This sequence change replaces arginine, which is basic and polar, with histidine, which is basic and polar, at codon 179 of the PPT1 protein (p.Arg179His). This variant also falls at the last nucleotide of exon 5, which is part of the consensus splice site for this exon. This variant is present in population databases (rs370069880, gnomAD 0.007%). This variant has not been reported in the literature in individuals affected with PPT1-related conditions. ClinVar contains an entry for this variant (Variation ID: 206648). An algorithm developed to predict the effect of missense changes on protein structure and function outputs the following: PolyPhen-2: "Benign". The histidine amino acid residue is found in multiple mammalian species, which suggests that this missense change does not adversely affect protein function. Variants that disrupt the consensus splice site are a relatively common cause of aberrant splicing (PMID: 17576681, 9536098). Algorithms developed to predict the effect of sequence changes on RNA splicing suggest that this variant may disrupt the consensus splice site. In summary, the available evidence is currently insufficient to determine the role of this variant in disease. Therefore, it has been classified as a Variant of Uncertain Significance.

Blueprint Genetics
Classification: Uncertain significance. Last evaluated: 2024-08-30. Review status: criteria provided, single submitter. Criteria: ACMG Guidelines, 2015. Collection method: clinical testing. Allele origin: germline.

Natera, Inc.
Classification: Uncertain significance for Neuronal ceroid lipofuscinosis 1. Last evaluated: 2020-09-16. Review status: no assertion criteria provided. Collection method: clinical testing. Allele origin: germline. Not counted in ClinVar's aggregate classification.

Literature cited by the submitters: PubMed 17576681 (cited by Labcorp Genetics (formerly Invitae), Labcorp); PubMed 9536098 (cited by Labcorp Genetics (formerly Invitae), Labcorp).

NM_000310.4(PPT1):c.536G>A (p.Arg179His)

Gene: PPT1 (palmitoyl-protein thioesterase 1; minus strand). Cytogenetic location: 1p34.2.
Variant type: single nucleotide variant.
Coding change: c.536G>A on transcript NM_000310.4 (MANE Select); coding-DNA position 536, G replaced by A.
Protein change: p.Arg179His; replaces arginine 179 with histidine.
Molecular consequence: missense variant.
Genome position (GRCh38, 1-based): chr1:40,089,410, C>T on the plus strand (G>A on the coding strand, the complement: PPT1 is on the minus strand). VCF-style: chr1-40089410-C-T. GRCh37 (hg19) VCF-style: chr1-40555082-C-T.
Other names: p.R179H:CGC>CAC; c.227G>A, p.Arg76His (NM_001142604.2); c.536G>A, p.Arg179His (NM_001363695.2); short protein forms R179H, R76H.
Identifiers: ClinVar variation 206648 (VCV000206648.11), dbSNP rs370069880, ClinGen allele CA316943.